The following is an entry in ClinVar:

ClinVar aggregate classification (germline): Uncertain significance (1 of 4 stars; one submission).

Allele frequency attached by ClinVar (database versions not stated): gnomAD exomes below 0.00001; ExAC 0.00001.
gnomAD v4.1: 1 of 1,614,094 alleles (0.000062%); highest among the groups gnomAD compares: South Asian, 0.0011%; no homozygotes.

Submission:

Labcorp Genetics (formerly Invitae), Labcorp
Classification: Uncertain significance. Last evaluated: 2022-04-17. Review status: criteria provided, single submitter. Criteria: Invitae Variant Classification Sherloc (09022015). Collection method: clinical testing. Allele origin: germline.
Comment: In summary, the available evidence is currently insufficient to determine the role of this variant in disease. Therefore, it has been classified as a Variant of Uncertain Significance. Advanced modeling of protein sequence and biophysical properties (such as structural, functional, and spatial information, amino acid conservation, physicochemical variation, residue mobility, and thermodynamic stability) performed at Invitae indicates that this missense variant is not expected to disrupt KMT2A protein function. This variant has not been reported in the literature in individuals affected with KMT2A-related conditions. This variant is present in population databases (rs782653043, gnomAD 0.003%). This sequence change replaces alanine, which is neutral and non-polar, with valine, which is neutral and non-polar, at codon 599 of the KMT2A protein (p.Ala599Val).

NM_001197104.2(KMT2A):c.1796C>T (p.Ala599Val)

Gene: KMT2A (lysine methyltransferase 2A; plus strand). Cytogenetic location: 11q23.3.
Variant type: single nucleotide variant.
Coding change: c.1796C>T on transcript NM_001197104.2 (MANE Select); coding-DNA position 1796, C replaced by T.
Protein change: p.Ala599Val; replaces alanine 599 with valine.
Molecular consequence: missense variant.
Genome position (GRCh38, 1-based): chr11:118,472,955, C>T. VCF-style: chr11-118472955-C-T. GRCh37 (hg19) VCF-style: chr11-118343670-C-T.
Other names: c.1895C>T, p.Ala632Val (NM_001412597.1); c.1796C>T, p.Ala599Val (NM_005933.4); short protein forms A632V, A599V.
Identifiers: ClinVar variation 2127189 (VCV002127189.4), dbSNP rs782653043, ClinGen allele CA6303444.